The following is an entry in ClinVar:

ClinVar aggregate classification (germline): Uncertain significance (1 of 4 stars; one submission).

Submission:

Labcorp Genetics (formerly Invitae), Labcorp
Classification: Uncertain significance. Last evaluated: 2025-09-02. Review status: criteria provided, single submitter. Criteria: Invitae Variant Classification Sherloc (09022015). Collection method: clinical testing. Allele origin: germline.
Comment: This sequence change replaces proline, which is neutral and non-polar, with arginine, which is basic and polar, at codon 4501 of the USH2A protein (p.Pro4501Arg). This variant is not present in population databases (gnomAD no frequency). This missense change has been observed in individual(s) with retinitis pigmentosa (internal data). ClinVar contains an entry for this variant (Variation ID: 2704029). Invitae Evidence Modeling of protein sequence and biophysical properties (such as structural, functional, and spatial information, amino acid conservation, physicochemical variation, residue mobility, and thermodynamic stability) indicates that this missense variant is expected to disrupt USH2A protein function with a positive predictive value of 95%. This variant disrupts the p.Pro4501 amino acid residue in USH2A. Other variant(s) that disrupt this residue have been observed in individuals with USH2A-related conditions (PMID: 32188678), which suggests that this may be a clinically significant amino acid residue. In summary, the available evidence is currently insufficient to determine the role of this variant in disease. Therefore, it has been classified as a Variant of Uncertain Significance.

Literature cited by the submitters: PubMed 32188678.

NM_206933.4(USH2A):c.13502C>G (p.Pro4501Arg)

Gene: USH2A (usherin; minus strand). Cytogenetic location: 1q41.
Variant type: single nucleotide variant.
Coding change: c.13502C>G on transcript NM_206933.4 (MANE Select); coding-DNA position 13502, C replaced by G.
Protein change: p.Pro4501Arg; replaces proline 4501 with arginine.
Molecular consequence: missense variant.
Genome position (GRCh38, 1-based): chr1:215,674,409, G>C on the plus strand (C>G on the coding strand, the complement: USH2A is on the minus strand). VCF-style: chr1-215674409-G-C. GRCh37 (hg19) VCF-style: chr1-215847751-G-C.
Other names: short protein forms P4501R.
Identifiers: ClinVar variation 2704029 (VCV002704029.3), dbSNP rs2464894923, ClinGen allele CA344844993.
Genomic context (GRCh38, chr1:215,674,409, plus strand): 5'-GGACTCAAAATACCCCCTTGGCTGTTGCTGGCAGTTACTGTGTAGCTATACTCCACACCT[G>C]GGGTGAGAGTAAAATCACGATAGCGTGTTTCCAAGCCTGTATATACAATGGTTCCATCCC-3'
Protein context (NP_996816.3, residues 4491-4511): ETRYRDFTLT[Pro4501Arg]GVEYSYTVTA